The following is an entry in ClinVar:

ClinVar aggregate classification (germline): Uncertain significance (1 of 4 stars; one submission).

Submission:

GeneDx
Classification: Uncertain significance. Last evaluated: 2022-12-06. Review status: criteria provided, single submitter. Criteria: GeneDx Variant Classification Process June 2021. Collection method: clinical testing. Allele origin: germline. Affected: yes.
Comment: Has not been previously published as pathogenic or benign to our knowledge; Not observed at significant frequency in large population cohorts (gnomAD); In-frame deletion of 3 amino acids in a non-repeat region; In silico analysis supports a deleterious effect on protein structure/function

NM_001458.5(FLNC):c.5437_5445del (p.Asn1813_Thr1815del)

Genes: FLNC (filamin C; plus strand), FLNC-AS1 (FLNC antisense RNA 1; minus strand). Cytogenetic location: 7q32.1.
Variant type: Deletion.
Coding change: c.5437_5445del on transcript NM_001458.5 (MANE Select); coding-DNA positions 5437 to 5445, 9 bases deleted (AACATCACC; older notation c.5437_5445delAACATCACC).
Protein change: p.Asn1813_Thr1815del.
Molecular consequence: inframe deletion. On other transcripts: inframe indel (1).
Genome position (GRCh38, 1-based): chr7:128,850,841-128,850,849, AACATCACC deleted; deleting any 9 consecutive bases within chr7:128,850,839-128,850,849 gives the same sequence; the c. name uses the placement nearest the transcript's 3' end. VCF-style (leftmost placement, unchanged base first): chr7-128850838-CCCAACATCA-C. GRCh37 (hg19) VCF-style: chr7-128490892-CCCAACATCA-C.
Other names: c.5338_5346del, p.Asn1780_Thr1782del (NM_001127487.2); c.5437_5445delAACATCACC, p.Asn1813_Thr1815del (NM_001458.4).
Identifiers: ClinVar variation 2504983 (VCV002504983.1), dbSNP rs2536654625, ClinGen allele CA2580614262.
Genomic context (GRCh38, chr7:128,850,838, plus strand): 5'-CCACGTAACTGTGTCTGCCCTGCAGGAGAGGTGCGGATGCCCTCGGGGAAGACGGCACGG[CCCAACATCA>C]CCGACAACAAGGACGGCACCATCACGGTGAGGTATGCACCCACTGAGAAAGGCCTGCACC-3'